The following is an entry in ClinVar:

ClinVar aggregate classification (germline): Uncertain significance (1 of 4 stars; one submission).

Conditions:
Inborn genetic diseases. Identifiers: MedGen C0950123, MeSH D030342.

Submission:

Ambry Genetics
Classification: Uncertain significance for Inborn genetic diseases. Last evaluated: 2025-03-10. Review status: criteria provided, single submitter. Criteria: Ambry Variant Classification Scheme 2023. Collection method: clinical testing. Allele origin: germline.
Comment: The p.L1152V variant (also known as c.3454T>G), located in coding exon 14 of the FANCM gene, results from a T to G substitution at nucleotide position 3454. The leucine at codon 1152 is replaced by valine, an amino acid with highly similar properties. This amino acid position is conserved. In addition, this alteration is predicted to be tolerated by in silico analysis. Based on the available evidence, the clinical significance of this variant remains unclear.

NM_020937.4(FANCM):c.3454T>G (p.Leu1152Val)

Gene: FANCM (FA complementation group M; plus strand). Cytogenetic location: 14q21.2.
Variant type: single nucleotide variant.
Coding change: c.3454T>G on transcript NM_020937.4 (MANE Select); coding-DNA position 3454, T replaced by G.
Protein change: p.Leu1152Val; replaces leucine 1152 with valine.
Molecular consequence: missense variant.
Genome position (GRCh38, 1-based): chr14:45,176,208, T>G. VCF-style: chr14-45176208-T-G. GRCh37 (hg19) VCF-style: chr14-45645411-T-G.
Other names: c.3376T>G, p.Leu1126Val (NM_001308133.2); short protein forms L1126V, L1152V.
Identifiers: ClinVar variation 3848814 (VCV003848814.1).